The following is an entry in ClinVar:

NM_182641.4(BPTF):c.287G>C (p.Gly96Ala)

Gene: BPTF (bromodomain PHD finger transcription factor; plus strand). Cytogenetic location: 17q24.2.
Variant type: single nucleotide variant.
Coding change: c.287G>C on transcript NM_182641.4 (MANE Select); coding-DNA position 287, G replaced by C.
Protein change: p.Gly96Ala; replaces glycine 96 with alanine.
Molecular consequence: missense variant.
Genome position (GRCh38, 1-based): chr17:67,826,011, G>C. VCF-style: chr17-67826011-G-C. GRCh37 (hg19) VCF-style: chr17-65822127-G-C.
Other names: c.287G>C (NM_182641.3); c.287G>C, p.Gly96Ala (NM_004459.7); short protein forms G96A.
Identifiers: ClinVar variation 1675688 (VCV001675688.41), dbSNP rs1055192173, ClinGen allele CA293236548.

ClinVar aggregate classification (germline): Likely benign. Review status: criteria provided, multiple submitters, no conflicts (2 of 4 stars). 5 submissions from 5 submitters: Likely benign (4). 1 of the submissions does not count toward it. Last evaluated 2026-01-17.

Conditions:
Inborn genetic diseases. Identifiers: MedGen C0950123, MeSH D030342.
BPTF-related disorder. Also called: BPTF-related condition.

Allele frequency attached by ClinVar (database versions not stated): gnomAD 0.00110; TOPMed 0.00117; gnomAD exomes 0.00148.
gnomAD v4.1: 1,701 of 1,179,544 alleles (0.14%); highest among the groups gnomAD compares: Non-Finnish European, 0.16%; 3 homozygotes.

Submissions (5):

Labcorp Genetics (formerly Invitae), Labcorp
Classification: Likely benign. Last evaluated: 2026-01-17. Review status: criteria provided, single submitter. Criteria: Invitae Variant Classification Sherloc (09022015). Collection method: clinical testing. Allele origin: germline.

CeGaT Center for Human Genetics Tuebingen
Classification: Likely benign. Last evaluated: 2025-12-01. Review status: criteria provided, single submitter. Criteria: CeGaT Center For Human Genetics Tuebingen Variant Classification Criteria Version 2. Collection method: clinical testing. Allele origin: germline. Affected: yes. Observed: 7 variant alleles.
Comment: BPTF: BS1

Laboratory of Genetics, Children's Clinical University Hospital Latvia
Classification: Likely benign. Last evaluated: 2025-02-16. Review status: criteria provided, single submitter. Criteria: ACMG Guidelines, 2015. Collection method: clinical testing. Allele origin: germline. Affected: yes.

Ambry Genetics
Classification: Likely benign for Inborn genetic diseases. Last evaluated: 2022-04-14. Review status: criteria provided, single submitter. Criteria: Ambry Variant Classification Scheme 2023. Collection method: clinical testing. Allele origin: germline.

PreventionGenetics, part of Exact Sciences
Classification: Likely benign for BPTF-related condition. Last evaluated: 2019-05-10. Review status: no assertion criteria provided. Collection method: clinical testing. Allele origin: germline. Not counted in ClinVar's aggregate classification.
Comment: This variant is classified as likely benign based on ACMG/AMP sequence variant interpretation guidelines (Richards et al. 2015 PMID: 25741868, with internal and published modifications).